The following is an entry in ClinVar:

ClinVar aggregate classification (germline): Uncertain significance (1 of 4 stars; one submission).

Conditions:
Cardiomyopathy (CMYO). Also called: Cardiomyopathies. Identifiers: Orphanet 167848, MedGen C0878544, MONDO:0004994, HP:0001638. Inheritance: Various modes of inheritance.

Submission:

Color Diagnostics, LLC DBA Color Health
Classification: Uncertain significance for Cardiomyopathy. Last evaluated: 2025-06-30. Review status: criteria provided, single submitter. Criteria: ACMG Guidelines, 2015. Collection method: clinical testing. Allele origin: germline.
Comment: This missense variant replaces threonine with serine at codon 8 of the ACTC1 protein. Computational prediction is inconclusive regarding the impact of this variant on protein structure and function. To our knowledge, functional studies have not been reported for this variant. This variant has not been reported in individuals affected with ACTC1-related disorders in the literature. This variant has been identified in 2/250694 chromosomes in the general population by the Genome Aggregation Database (gnomAD). The available evidence is insufficient to determine the role of this variant in disease conclusively. Therefore, this variant is classified as a Variant of Uncertain Significance.

NM_005159.5(ACTC1):c.23C>G (p.Thr8Ser)

Genes: GJD2-DT (GJD2 divergent transcript; plus strand), ACTC1 (actin alpha cardiac muscle 1; minus strand). Cytogenetic location: 15q14.
Variant type: single nucleotide variant.
Coding change: c.23C>G on transcript NM_005159.5 (MANE Select); coding-DNA position 23, C replaced by G.
Protein change: p.Thr8Ser; replaces threonine 8 with serine.
Molecular consequence: missense variant.
Genome position (GRCh38, 1-based): chr15:34,794,786, G>C on the plus strand (C>G on the coding strand, the complement: ACTC1 is on the minus strand). VCF-style: chr15-34794786-G-C. GRCh37 (hg19) VCF-style: chr15-35086987-G-C.
Other names: c.23C>G, p.Thr8Ser (NM_001406482.1, NM_001406483.1); short protein forms T8S.
Identifiers: ClinVar variation 4757615 (VCV004757615.1).